The following is an entry in ClinVar:

NM_201384.3(PLEC):c.11594G>A (p.Arg3865His)

Gene: PLEC (plectin; minus strand). Cytogenetic location: 8q24.3.
Variant type: single nucleotide variant.
Coding change: c.11594G>A on transcript NM_201384.3 (MANE Select); coding-DNA position 11594, G replaced by A.
Protein change: p.Arg3865His; replaces arginine 3865 with histidine.
Molecular consequence: missense variant.
Genome position (GRCh38, 1-based): chr8:143,918,227, C>T on the plus strand (G>A on the coding strand, the complement: PLEC is on the minus strand). VCF-style: chr8-143918227-C-T. GRCh37 (hg19) VCF-style: chr8-144992395-C-T.
Other names: c.11675G>A, p.Arg3892His (NM_000445.5); c.11552G>A, p.Arg3851His (NM_201378.4); c.11528G>A, p.Arg3843His (NM_201379.3); c.12005G>A, p.Arg4002His (NM_201380.4); c.11498G>A, p.Arg3833His (NM_201381.3); c.11594G>A, p.Arg3865His (NM_201382.4); c.11606G>A, p.Arg3869His (NM_201383.3); short protein forms R3833H, R3843H, R3851H, R3865H, R3869H, R3892H, R4002H.
Identifiers: ClinVar variation 448049 (VCV000448049.21), dbSNP rs200722246, ClinGen allele CA4924303.
Genomic context (GRCh38, chr8:143,918,227, plus strand): 5'-AAGGTCAGCTTGCGGGCGTCCGACAGTGGCAGGAGCAGCTGGCCGGTGCCGTCGTCACGA[C>T]GGCACCGCCTGAGCAGCTGCGTGTAGCTGAGGCGCTCGTCGGTGGACGGGTCCACGTAGC-3'
Protein context (NP_958786.1, residues 3855-3875): LSYTQLLRRC[Arg3865His]RDDGTGQLLL

ClinVar aggregate classification (germline): Conflicting classifications of pathogenicity. Review status: criteria provided, conflicting classifications (1 of 4 stars). 6 submissions from 6 submitters: Uncertain significance (2); Likely benign (3). 1 of the submissions does not count toward it. Last evaluated 2025-06-10.

Conditions:
Autosomal recessive limb-girdle muscular dystrophy type 2Q (LGMDR17). Also called: MUSCULAR DYSTROPHY, LIMB-GIRDLE, AUTOSOMAL RECESSIVE 17. Identifiers: Orphanet 254361, MedGen C3150989, MONDO:0013390, OMIM 613723.
Epidermolysis bullosa simplex with nail dystrophy (EBS5D). Identifiers: MedGen C4225309, MONDO:0014661, OMIM 616487.
Epidermolysis bullosa simplex 5C, with pyloric atresia (EBS5C). Also called: PLEC1-Related Epidermolysis Bullosa with Pyloric Atresia; PLEC-Related Epidermolysis Bullosa with Pyloric Atresia; Epidermolysis bullosa simplex with pyloric atresia. Identifiers: Orphanet 158684, MedGen C2677349, MONDO:0012807, OMIM 612138.
Epidermolysis bullosa simplex, Ogna type (EBS5A). Also called: Pidermolysis bullosa simplex 5A, Ogna type; EPIDERMOLYSIS BULLOSA SIMPLEX 5A, OGNA TYPE. Identifiers: Orphanet 79401, MedGen C0432317, MONDO:0007555, OMIM 131950.
Epidermolysis bullosa simplex 5B, with muscular dystrophy (EBS5B). Also called: Epidermolysis bullosa simplex with muscular dystrophy; EPIDERMOLYSIS BULLOSA SIMPLEX AND LIMB-GIRDLE MUSCULAR DYSTROPHY. Identifiers: Orphanet 257, MedGen C2931072, MONDO:0009181, OMIM 226670.
PLEC-related disorder. Also called: PLEC-related condition; PLEC-related disorders.

Allele frequency attached by ClinVar (database versions not stated): gnomAD 0.00051 and 0.00055; 1000 Genomes Project 0.00020; TOPMed 0.00020; gnomAD exomes 0.00029; ExAC 0.00041; 1000 Genomes Project 30x 0.00047.
gnomAD v4.1: 293 of 1,581,144 alleles (0.019%); highest among the groups gnomAD compares: African/African-American, 0.057%; 2 homozygotes.

Submissions (6):

Labcorp Genetics (formerly Invitae), Labcorp
Classification: Likely benign for Autosomal recessive limb-girdle muscular dystrophy type 2Q; Epidermolysis bullosa simplex, Ogna type; Epidermolysis bullosa simplex with nail dystrophy; Epidermolysis bullosa simplex 5C, with pyloric atresia; Epidermolysis bullosa simplex 5B, with muscular dystrophy. Last evaluated: 2025-06-10. Review status: criteria provided, single submitter. Criteria: Invitae Variant Classification Sherloc (09022015). Collection method: clinical testing. Allele origin: germline.

Blueprint Genetics
Classification: Likely benign. Last evaluated: 2024-07-31. Review status: criteria provided, single submitter. Criteria: ACMG Guidelines, 2015. Collection method: clinical testing. Allele origin: germline.

Revvity Omics, Revvity
Classification: Uncertain significance. Last evaluated: 2019-08-09. Review status: criteria provided, single submitter. Criteria: ACMG Guidelines, 2015. Collection method: clinical testing. Allele origin: germline.

Eurofins Ntd Llc (ga)
Classification: Uncertain significance. Last evaluated: 2017-02-27. Review status: criteria provided, single submitter. Criteria: EGL Classification Definitions 2015. Collection method: clinical testing. Allele origin: germline. Observed: 3 variant alleles, 2 heterozygotes.

Athena Diagnostics
Classification: Likely benign. Last evaluated: 2016-08-19. Review status: criteria provided, single submitter. Criteria: Athena Diagnostics Criteria. Collection method: clinical testing. Allele origin: germline.

PreventionGenetics, part of Exact Sciences
Classification: Likely benign for PLEC-related condition. Last evaluated: 2022-10-06. Review status: no assertion criteria provided. Collection method: clinical testing. Allele origin: germline. Not counted in ClinVar's aggregate classification.
Comment: This variant is classified as likely benign based on ACMG/AMP sequence variant interpretation guidelines (Richards et al. 2015 PMID: 25741868, with internal and published modifications).